The following is an entry in ClinVar:

NC_012920.1(MT-ND1):m.3843A>G

Gene: MT-ND1 (mitochondrially encoded NADH dehydrogenase 1; plus strand).
Variant type: single nucleotide variant.
Genome position: chrM-3843-A-G.
Identifiers: ClinVar variation 235228 (VCV000235228.3), dbSNP rs28357971, ClinGen allele CA10581249.

ClinVar aggregate classification (germline): Likely benign (1 of 4 stars; one submission).

Submission:

Center for Pediatric Genomic Medicine, Children's Mercy Hospital and Clinics
Classification: Likely benign. Last evaluated: 2015-08-12. Review status: criteria provided, single submitter. Criteria: ACMG Guidelines, 2015. Collection method: clinical testing. Allele origin: germline.
ClinVar note: Converted during submission from Likely Benign to Likely benign.